The following is an entry in ClinVar:

NM_006586.5(CNPY3):c.275C>T (p.Ser92Leu)

Genes: CNPY3 (canopy FGF signaling regulator 3; plus strand), CNPY3-GNMT (CNPY3-GNMT readthrough; plus strand). Cytogenetic location: 6p21.1.
Variant type: single nucleotide variant.
Coding change: c.275C>T on transcript NM_006586.5 (MANE Select); coding-DNA position 275, C replaced by T.
Protein change: p.Ser92Leu; replaces serine 92 with leucine.
Molecular consequence: missense variant. On other transcripts: non-coding transcript variant (3), intron variant (4).
Genome position (GRCh38, 1-based): chr6:42,934,598, C>T. VCF-style: chr6-42934598-C-T. GRCh37 (hg19) VCF-style: chr6-42902336-C-T.
Other names: c.275C>T, p.Ser92Phe (NM_001318842.1, NM_001318847.2); c.275C>T, p.Ser92Leu (NM_001318848.2); c.9-976C>T (NM_001318845.1); c.8+4877C>T (NM_001318856.2); c.151+4877C>T (NM_001318857.2, NM_001318858.2); short protein forms S92F, S92L.
Identifiers: ClinVar variation 3349695 (VCV003349695.1).

ClinVar aggregate classification (germline): Uncertain significance (0 of 4 stars; one submission).

Conditions:
CNPY3-related disorder. Also called: CNPY3-related condition.

gnomAD v4.1: 20 of 1,613,720 alleles (0.0012%); highest among the groups gnomAD compares: South Asian, 0.0055%; no homozygotes.

Submission:

PreventionGenetics, part of Exact Sciences
Classification: Uncertain significance for CNPY3-related condition. Last evaluated: 2024-03-25. Review status: no assertion criteria provided. Collection method: clinical testing. Allele origin: germline.
Comment: The CNPY3 c.275C>T variant is predicted to result in the amino acid substitution p.Ser92Leu. To our knowledge, this variant has not been reported in the literature. This variant is reported in 0.0098% of alleles in individuals of South Asian descent in gnomAD. At this time, the clinical significance of this variant is uncertain due to the absence of conclusive functional and genetic evidence.